The following is an entry in ClinVar:

ClinVar aggregate classification (germline): Pathogenic (1 of 4 stars; one submission).

Conditions:
Developmental and epileptic encephalopathy, 1 (DEE1). Also called: INFANTILE SPASM SYNDROME, X-LINKED 1; X-linked infantile spasms; West's syndrome; Tonic spasms with clustering, arrest of psychomotor development and hypsarrhythmia on EEG; X-Linked Infantile Spasm Syndrome; OHTAHARA SYNDROME, X-LINKED. Identifiers: MedGen C3463992, MONDO:0010632, OMIM 308350. Disease mechanism: loss of function.
Intellectual disability, X-linked, with or without seizures, ARX-related. Also called: MENTAL RETARDATION, X-LINKED 29; MENTAL RETARDATION, X-LINKED 32; MENTAL RETARDATION, X-LINKED 33; MENTAL RETARDATION, X-LINKED 38; MENTAL RETARDATION, X-LINKED 43; MENTAL RETARDATION, X-LINKED 76. Identifiers: Orphanet 777, MedGen C0796244, MONDO:0010317, OMIM 300419.

Submission:

Labcorp Genetics (formerly Invitae), Labcorp
Classification: Pathogenic for Developmental and epileptic encephalopathy, 1; Intellectual disability, X-linked, with or without seizures, ARX-related. Last evaluated: 2022-01-19. Review status: criteria provided, single submitter. Criteria: Invitae Variant Classification Sherloc (09022015). Collection method: clinical testing. Allele origin: germline.
Comment: A gross deletion of the genomic region encompassing the full coding sequence of the ARX gene has been identified. Loss-of-function variants in ARX are known to be pathogenic (PMID: 19439424, 19738637). The boundaries of this event are unknown as they extend beyond the assayed region for this gene and therefore may encompass additional genes. This variant has not been reported in the literature in individuals affected with ARX-related conditions. For these reasons, this variant has been classified as Pathogenic.

Literature cited by the submitters: PubMed 19439424; PubMed 19738637.

NC_000023.10:g.(?_24483573)_(25033854_?)del

Genes: ARX (aristaless related homeobox; minus strand), PCYT1B (phosphate cytidylyltransferase 1B, choline; minus strand), PDK3 (pyruvate dehydrogenase kinase 3; plus strand), POLA1 (DNA polymerase alpha 1, catalytic subunit; plus strand). Cytogenetic location: Xp22.11-21.3.
Variant type: Deletion.
Identifiers: ClinVar variation 2427280 (VCV002427280.5).